The following is an entry in ClinVar:

ClinVar aggregate classification (germline): Conflicting classifications of pathogenicity. Review status: criteria provided, conflicting classifications (1 of 4 stars). 3 submissions from 3 submitters: Likely pathogenic (2); Uncertain significance (1). Last evaluated 2022-07-04.

Conditions:
Inborn genetic diseases. Identifiers: MedGen C0950123, MeSH D030342.
RASopathy. Also called: rasopathies; Noonan spectrum disorder. Identifiers: Orphanet 536391, MedGen C5555857, MONDO:0021060.
Noonan syndrome (NS). Also called: Noonan's syndrome. Identifiers: Orphanet 648, MedGen C0028326, MeSH D009634, MONDO:0018997. Disease mechanism: gain of function.

Allele frequency attached by ClinVar (database versions not stated): gnomAD exomes below 0.00001.
gnomAD v4.1: 1 of 1,594,398 alleles (0.000063%); highest among the groups gnomAD compares: Non-Finnish European, 0.000086%; no homozygotes.

Submissions (3):

Labcorp Genetics (formerly Invitae), Labcorp
Classification: Likely pathogenic for RASopathy. Last evaluated: 2022-07-04. Review status: criteria provided, single submitter. Criteria: Invitae Variant Classification Sherloc (09022015). Collection method: clinical testing. Allele origin: germline.
Comment: Advanced modeling of protein sequence and biophysical properties (such as structural, functional, and spatial information, amino acid conservation, physicochemical variation, residue mobility, and thermodynamic stability) performed at Invitae indicates that this missense variant is expected to disrupt CBL protein function. This variant disrupts the p.Gln367 amino acid residue in CBL. Other variant(s) that disrupt this residue have been determined to be pathogenic (PMID: 20619386, 24458550, 25358541). This suggests that this residue is clinically significant, and that variants that disrupt this residue are likely to be disease-causing. In summary, the currently available evidence indicates that the variant is pathogenic, but additional data are needed to prove that conclusively. Therefore, this variant has been classified as Likely Pathogenic. ClinVar contains an entry for this variant (Variation ID: 178870). This variant has not been reported in the literature in individuals affected with CBL-related conditions. This variant is not present in population databases (gnomAD no frequency). This sequence change replaces glutamine, which is neutral and polar, with lysine, which is basic and polar, at codon 367 of the CBL protein (p.Gln367Lys).

Ambry Genetics
Classification: Uncertain significance for Inborn genetic diseases. Last evaluated: 2018-09-07. Review status: criteria provided, single submitter. Criteria: Ambry exome assertion method (8-5-2015). Collection method: clinical testing. Allele origin: germline. Affected: yes. Observed: 1 variant allele.

Laboratory for Molecular Medicine, Mass General Brigham Personalized Medicine
Classification: Likely pathogenic for Noonan syndrome. Last evaluated: 2015-12-14. Review status: criteria provided, single submitter. Criteria: LMM Criteria. Collection method: clinical testing. Allele origin: germline. Inheritance: Autosomal dominant inheritance. Observed: 4 variant alleles.
Comment: It was absent from large population studies. Two other amino acid changes at this position (p.Gln367Pro, p.Gln367Arg) have been reported: 1 in an individual with Noonan syndrome (Martinelli 2010) and 1 in an individual w ith chronic myelomonocytic leukemia (CMML; Kholmann 2010). Missense variants in exon 8 are located in the linker domain of CBL, are mutational hotspots in hemat ological malignancies, and have been shown to affect CBL protein function in bot h in vivo and in vitro studies (Sanada 2009, Martinelli 2010). Additional comput ational prediction tools and conservation analysis suggest that the p.Gln367Lys variant may impact the protein. In summary, although additional studies are requ ired to fully establish its clinical significance, the p.Gln367Lys variant is li kely pathogenic.

Literature cited by the submitters: PubMed 20619386 (cited by 3 submitters); PubMed 24458550 (cited by Labcorp Genetics (formerly Invitae), Labcorp); PubMed 25358541 (cited by Labcorp Genetics (formerly Invitae), Labcorp); PubMed 19620960 (cited by Ambry Genetics and Laboratory for Molecular Medicine, Mass General Brigham Personalized Medicine); PubMed 20644105 (cited by Laboratory for Molecular Medicine, Mass General Brigham Personalized Medicine).

NM_005188.4(CBL):c.1099C>A (p.Gln367Lys)

Gene: CBL (Cbl proto-oncogene; plus strand). Cytogenetic location: 11q23.3.
Variant type: single nucleotide variant.
Coding change: c.1099C>A on transcript NM_005188.4 (MANE Select); coding-DNA position 1099, C replaced by A.
Protein change: p.Gln367Lys; replaces glutamine 367 with lysine.
Molecular consequence: missense variant.
Genome position (GRCh38, 1-based): chr11:119,278,169, C>A. VCF-style: chr11-119278169-C-A. GRCh37 (hg19) VCF-style: chr11-119148879-C-A.
Other names: short protein forms Q367K.
Identifiers: ClinVar variation 178870 (VCV000178870.11), dbSNP rs727504504, ClinGen allele CA183197.
Genomic context (GRCh38, chr11:119,278,169, plus strand): 5'-ATTTATAATTGCAGTTATTTATTCAACTAATAGTCTTTTAATTTTTTTTAATCAAAGGAA[C>A]AATATGAATTATACTGTGAGATGGGCTCCACATTCCAACTATGTAAAATATGTGCTGAAA-3'
Protein context (NP_005179.2, residues 357-377): PQDHIKVTQE[Gln367Lys]YELYCEMGST